The following is an entry in ClinVar:

NM_001848.3(COL6A1):c.2745C>T (p.Asp915=)

Gene: COL6A1 (collagen type VI alpha 1 chain; plus strand). Cytogenetic location: 21q22.3.
Variant type: single nucleotide variant.
Coding change: c.2745C>T on transcript NM_001848.3 (MANE Select); coding-DNA position 2745, C replaced by T.
Protein change: p.Asp915=; no amino-acid change (aspartic acid 915 retained).
Molecular consequence: synonymous variant.
Genome position (GRCh38, 1-based): chr21:46,003,671, C>T. VCF-style: chr21-46003671-C-T. GRCh37 (hg19) VCF-style: chr21-47423585-C-T.
Identifiers: ClinVar variation 897703 (VCV000897703.16), dbSNP rs751865624, ClinGen allele CA10071019.

ClinVar aggregate classification (germline): Likely benign. Review status: criteria provided, multiple submitters, no conflicts (2 of 4 stars). 2 submissions from 2 submitters: Likely benign (2). Last evaluated 2025-01-06.

Conditions:
Bethlem myopathy 1A. Also called: MYOPATHY, BENIGN CONGENITAL, WITH CONTRACTURES; Bethlem myopathy 1; Bethlem Muscular Dystrophy. Identifiers: Orphanet 610, MedGen CN029274, MONDO:0024530, OMIM 158810.
Collagen 6-related myopathy. Identifiers: MedGen CN117976, MONDO:0100225.

Allele frequency attached by ClinVar (database versions not stated): gnomAD exomes 0.00005 and 0.00006; ExAC 0.00006; gnomAD 0.00006; TOPMed 0.00006.
gnomAD v4.1: 98 of 1,612,984 alleles (0.0061%); highest among the groups gnomAD compares: Non-Finnish European, 0.0074%; no homozygotes.

Submissions (2):

Labcorp Genetics (formerly Invitae), Labcorp
Classification: Likely benign for Bethlem myopathy 1A. Last evaluated: 2025-01-06. Review status: criteria provided, single submitter. Criteria: Invitae Variant Classification Sherloc (09022015). Collection method: clinical testing. Allele origin: germline.

Illumina Laboratory Services, Illumina
Classification: Likely benign for Collagen VI-related myopathy. Last evaluated: 2018-01-13. Review status: criteria provided, single submitter. Criteria: ICSL Variant Classification Criteria 13 December 2019. Collection method: clinical testing. Allele origin: germline.
Comment: This variant was observed in the ICSL laboratory as part of a predisposition screen in an ostensibly healthy population. It had not been previously curated by ICSL or reported in the Human Gene Mutation Database (HGMD: prior to June 1st, 2018), and was therefore a candidate for classification through an automated scoring system. Utilizing variant allele frequency, disease prevalence and penetrance estimates, and inheritance mode, an automated score was calculated to assess if this variant is too frequent to cause the disease. Based on the score and internal cut-off values, a variant classified as likely benign is not then subjected to further curation. The score for this variant resulted in a classification of likely benign for this disease.